The following is an entry in ClinVar:

ClinVar aggregate classification (germline): Benign. Review status: criteria provided, multiple submitters, no conflicts (2 of 4 stars). 3 submissions from 3 submitters: Benign (3). Last evaluated 2026-02-03.

Allele frequency attached by ClinVar (database versions not stated): 1000 Genomes Project 0.04054; 1000 Genomes Project 30x 0.04279; gnomAD exomes 0.04863 and 0.06129; ExAC 0.05271; TOPMed 0.05978; gnomAD 0.06077 and 0.06320; ESP Exome Variant Server 0.06735.
gnomAD v4.1: 98,054 of 1,613,080 alleles (6.1%); highest among the groups gnomAD compares: African/African-American, 7.5%; 3,242 homozygotes.

Submissions (3):

Labcorp Genetics (formerly Invitae), Labcorp
Classification: Benign. Last evaluated: 2026-02-03. Review status: criteria provided, single submitter. Criteria: Invitae Variant Classification Sherloc (09022015). Collection method: clinical testing. Allele origin: germline.

GeneDx
Classification: Benign. Last evaluated: 2016-02-11. Review status: criteria provided, single submitter. Criteria: GeneDx Variant Classification (06012015). Collection method: clinical testing. Allele origin: germline. Affected: yes.
Comment: This variant is considered likely benign or benign based on one or more of the following criteria: it is a conservative change, it occurs at a poorly conserved position in the protein, it is predicted to be benign by multiple in silico algorithms, and/or has population frequency not consistent with disease.

Breakthrough Genomics
Classification: Benign. Review status: criteria provided, single submitter. Criteria: ACMG Guidelines, 2015. Collection method: not provided. Allele origin: germline. Inheritance: Autosomal recessive inheritance. Affected: yes.

NM_025150.5(TARS2):c.1401+16C>T

Gene: TARS2 (threonyl-tRNA synthetase 2, mitochondrial; plus strand). Cytogenetic location: 1q21.2.
Variant type: single nucleotide variant.
Coding change: c.1401+16C>T on transcript NM_025150.5 (MANE Select); 16 bases into the intron after coding-DNA position 1401, C replaced by T.
Molecular consequence: intron variant.
Genome position (GRCh38, 1-based): chr1:150,498,680, C>T. VCF-style: chr1-150498680-C-T. GRCh37 (hg19) VCF-style: chr1-150471156-C-T.
Other names: c.1155+16C>T (NM_001271895.2); c.1011+16C>T (NM_001271896.2).
Identifiers: ClinVar variation 380174 (VCV000380174.11), dbSNP rs34542152, ClinGen allele CA1076999.